The following is an entry in ClinVar:

ClinVar aggregate classification (germline): Uncertain significance. Review status: criteria provided, multiple submitters, no conflicts (2 of 4 stars). 2 submissions from 2 submitters: Uncertain significance (2). Last evaluated 2022-11-14.

Conditions:
Emery-Dreifuss muscular dystrophy 5, autosomal dominant (EDMD5). Also called: EMERY-DREIFUSS MUSCULAR DYSTROPHY 5. Identifiers: Orphanet 261, MedGen C2751805, MONDO:0013072, OMIM 612999.

Submissions (2):

Labcorp Genetics (formerly Invitae), Labcorp
Classification: Uncertain significance for Emery-Dreifuss muscular dystrophy 5, autosomal dominant. Last evaluated: 2022-11-14. Review status: criteria provided, single submitter. Criteria: Invitae Variant Classification Sherloc (09022015). Collection method: clinical testing. Allele origin: germline.
Comment: Algorithms developed to predict the effect of missense changes on protein structure and function (SIFT, PolyPhen-2, Align-GVGD) all suggest that this variant is likely to be tolerated. In summary, the available evidence is currently insufficient to determine the role of this variant in disease. Therefore, it has been classified as a Variant of Uncertain Significance. This variant has not been reported in the literature in individuals affected with SYNE2-related conditions. This sequence change replaces methionine, which is neutral and non-polar, with threonine, which is neutral and polar, at codon 1214 of the SYNE2 protein (p.Met1214Thr). This variant is not present in population databases (gnomAD no frequency).

Ambry Genetics
Classification: Uncertain significance. Last evaluated: 2021-09-14. Review status: criteria provided, single submitter. Criteria: Ambry Variant Classification Scheme 2023. Collection method: clinical testing. Allele origin: germline.

NM_182914.3(SYNE2):c.3641T>C (p.Met1214Thr)

Gene: SYNE2 (spectrin repeat containing nuclear envelope protein 2; plus strand). Cytogenetic location: 14q23.2.
Variant type: single nucleotide variant.
Coding change: c.3641T>C on transcript NM_182914.3 (MANE Select); coding-DNA position 3641, T replaced by C.
Protein change: p.Met1214Thr; replaces methionine 1214 with threonine.
Molecular consequence: missense variant.
Genome position (GRCh38, 1-based): chr14:64,001,936, T>C. VCF-style: chr14-64001936-T-C. GRCh37 (hg19) VCF-style: chr14-64468654-T-C.
Other names: c.3641T>C, p.Met1214Thr (NM_015180.6); short protein forms M1214T.
Identifiers: ClinVar variation 2249362 (VCV002249362.5), dbSNP rs201166748, ClinGen allele CA389994183.